The following is an entry in ClinVar:

NM_000218.3(KCNQ1):c.1838T>C (p.Leu613Pro)

Genes: KCNQ1 (potassium voltage-gated channel subfamily Q member 1; plus strand), KCNQ1-AS1 (KCNQ1 antisense RNA 1; minus strand). Cytogenetic location: 11p15.4.
Variant type: single nucleotide variant.
Coding change: c.1838T>C on transcript NM_000218.3 (MANE Select); coding-DNA position 1838, T replaced by C.
Protein change: p.Leu613Pro; replaces leucine 613 with proline.
Molecular consequence: missense variant.
Genome position (GRCh38, 1-based): chr11:2,847,810, T>C. VCF-style: chr11-2847810-T-C. GRCh37 (hg19) VCF-style: chr11-2869040-T-C.
Other names: c.1742T>C, p.Leu581Pro (NM_001406836.1); c.1568T>C, p.Leu523Pro (NM_001406837.1); c.1298T>C, p.Leu433Pro (NM_001406838.1); c.350T>C, p.Leu117Pro (NM_001406839.1); c.1457T>C, p.Leu486Pro (NM_181798.2); short protein forms L486P, L613P, L433P, L581P, L523P, L117P.
Identifiers: ClinVar variation 1003632 (VCV001003632.10), dbSNP rs1848362479, ClinGen allele CA379140264.

ClinVar aggregate classification (germline): Uncertain significance (1 of 4 stars; one submission).

Conditions:
Long QT syndrome (LQTS). Identifiers: MedGen C0023976, MeSH D008133, MONDO:0002442. Disease mechanism: loss of function. Inheritance: Various modes of inheritance.

Submission:

Labcorp Genetics (formerly Invitae), Labcorp
Classification: Uncertain significance for Long QT syndrome. Last evaluated: 2020-08-23. Review status: criteria provided, single submitter. Criteria: Invitae Variant Classification Sherloc (09022015). Collection method: clinical testing. Allele origin: germline.
Comment: Algorithms developed to predict the effect of missense changes on protein structure and function are either unavailable or do not agree on the potential impact of this missense change (SIFT: "Deleterious"; PolyPhen-2: "Probably Damaging"; Align-GVGD: "Class C0"). In summary, the available evidence is currently insufficient to determine the role of this variant in disease. Therefore, it has been classified as a Variant of Uncertain Significance. This variant has not been reported in the literature in individuals with KCNQ1-related conditions. This sequence change replaces leucine with proline at codon 613 of the KCNQ1 protein (p.Leu613Pro). The leucine residue is highly conserved and there is a moderate physicochemical difference between leucine and proline. This variant is not present in population databases (ExAC no frequency).